The following is an entry in ClinVar:

ClinVar aggregate classification (germline): Benign/Likely benign. Review status: criteria provided, multiple submitters, no conflicts (2 of 4 stars). 12 submissions from 12 submitters: Benign (7); Likely benign (2). 3 of the submissions do not count toward it. Last evaluated 2026-09-01.

Conditions:
Inborn genetic diseases. Identifiers: MedGen C0950123, MeSH D030342.
Neuronal ceroid lipofuscinosis 2. Also called: JANSKY-BIELSCHOWSKY DISEASE NEURONAL CEROID LIPOFUSCINOSIS, LATE INFANTILE; TPP1-Related Neuronal Ceroid-Lipofuscinosis. Identifiers: Orphanet 168491, Orphanet 228349, Orphanet 79264, MedGen C1876161, MONDO:0008769, OMIM 204500.

Allele frequency attached by ClinVar (database versions not stated): 1000 Genomes Project 30x 0.00328; 1000 Genomes Project 0.00339; TOPMed 0.00727; gnomAD 0.00875 and 0.00902; ESP Exome Variant Server 0.00877; ExAC 0.00900.
gnomAD v4.1: 18,602 of 1,614,108 alleles (1.2%); highest among the groups gnomAD compares: Non-Finnish European, 1.4%; 138 homozygotes.

Submissions (12):

CeGaT Center for Human Genetics Tuebingen
Classification: Benign. Last evaluated: 2026-09-01. Review status: criteria provided, single submitter. Criteria: CeGaT Center For Human Genetics Tuebingen Variant Classification Criteria Version 2. Collection method: clinical testing. Allele origin: germline. Affected: yes. Observed: 27 variant alleles.
Comment: TPP1: BP4, BP7, BS1, BS2

Labcorp Genetics (formerly Invitae), Labcorp
Classification: Benign. Last evaluated: 2026-02-03. Review status: criteria provided, single submitter. Criteria: Invitae Variant Classification Sherloc (09022015). Collection method: clinical testing. Allele origin: germline.

Women's Health and Genetics/Laboratory Corporation of America, LabCorp
Classification: Benign. Last evaluated: 2022-11-18. Review status: criteria provided, single submitter. Criteria: LabCorp Variant Classification Summary - May 2015. Collection method: clinical testing. Allele origin: germline.

Athena Diagnostics
Classification: Benign. Last evaluated: 2019-12-30. Review status: criteria provided, single submitter. Criteria: Athena Diagnostics Criteria. Collection method: clinical testing. Allele origin: unknown.

Illumina Laboratory Services, Illumina
Classification: Likely benign for Neuronal ceroid lipofuscinosis 2. Last evaluated: 2018-01-12. Review status: criteria provided, single submitter. Criteria: ICSL Variant Classification Criteria 13 December 2019. Collection method: clinical testing. Allele origin: germline.
Comment: This variant was observed in the ICSL laboratory as part of a predisposition screen in an ostensibly healthy population. It had not been previously curated by ICSL or reported in the Human Gene Mutation Database (HGMD: prior to June 1st, 2018), and was therefore a candidate for classification through an automated scoring system. Utilizing variant allele frequency, disease prevalence and penetrance estimates, and inheritance mode, an automated score was calculated to assess if this variant is too frequent to cause the disease. Based on the score and internal cut-off values, a variant classified as likely benign is not then subjected to further curation. The score for this variant resulted in a classification of likely benign for this disease.

Ambry Genetics
Classification: Benign for Inborn genetic diseases. Last evaluated: 2016-06-16. Review status: criteria provided, single submitter. Criteria: Ambry Variant Classification Scheme 2023. Collection method: clinical testing. Allele origin: germline.

GeneDx
Classification: Benign. Last evaluated: 2012-11-02. Review status: criteria provided, single submitter. Criteria: GeneDx Variant Classification (06012015). Collection method: clinical testing. Allele origin: germline. Affected: yes.
Comment: This variant is considered likely benign or benign based on one or more of the following criteria: it is a conservative change, it occurs at a poorly conserved position in the protein, it is predicted to be benign by multiple in silico algorithms, and/or has population frequency not consistent with disease.

Breakthrough Genomics
Classification: Likely benign. Review status: criteria provided, single submitter. Criteria: ACMG Guidelines, 2015. Collection method: not provided. Allele origin: germline. Inheritance: Autosomal recessive inheritance. Affected: yes.

PreventionGenetics, part of Exact Sciences
Classification: Benign. Review status: criteria provided, single submitter. Criteria: ACMG Guidelines, 2015. Collection method: clinical testing. Allele origin: germline.

Natera, Inc.
Classification: Benign for Neuronal ceroid lipofuscinosis 2. Last evaluated: 2020-09-16. Review status: no assertion criteria provided. Collection method: clinical testing. Allele origin: germline. Not counted in ClinVar's aggregate classification.

Mayo Clinic Laboratories, Mayo Clinic
Classification: Likely benign. Last evaluated: 2017-05-10. Review status: no assertion criteria provided. Collection method: clinical testing. Allele origin: unknown. Not counted in ClinVar's aggregate classification.

Genetic Services Laboratory, University of Chicago
Classification: Likely benign for AllHighlyPenetrant. Review status: no assertion criteria provided. Collection method: clinical testing. Allele origin: germline. Inheritance: Autosomal recessive inheritance. Not counted in ClinVar's aggregate classification.
Comment: Likely benign based on allele frequency in 1000 Genomes Project or ESP global frequency and its presence in a patient with a rare or unrelated disease phenotype. NOT Sanger confirmed.

NM_000391.4(TPP1):c.1494C>T (p.Pro498=)

Gene: TPP1 (tripeptidyl peptidase 1; minus strand). Cytogenetic location: 11p15.4.
Variant type: single nucleotide variant.
Coding change: c.1494C>T on transcript NM_000391.4 (MANE Select); coding-DNA position 1494, C replaced by T.
Protein change: p.Pro498=; no amino-acid change (proline 498 retained).
Molecular consequence: synonymous variant.
Genome position (GRCh38, 1-based): chr11:6,614,923, G>A on the plus strand (C>T on the coding strand, the complement: TPP1 is on the minus strand). VCF-style: chr11-6614923-G-A. GRCh37 (hg19) VCF-style: chr11-6636154-G-A.
Other names: p.P498P:CCC>CCT.
Identifiers: ClinVar variation 130607 (VCV000130607.57), dbSNP rs117942457, ClinGen allele CA289076.
Genomic context (GRCh38, chr11:6,614,923, plus strand): 5'-TACATCAAAGAGTCCTGCCCCATGCTGCTGGTAGAGCCTTGGGTTGAGAAAGCCAAGAGG[G>A]GGGCGGCCACTAAGGATCCTGTGCTCATTGATCAAGGATAGGATCCCCCCAAACACTGGA-3'
Protein context (NP_000382.3, residues 488-508): INEHRILSGR[Pro498=]PLGFLNPRLY